The following is an entry in ClinVar:

NM_001007527.2(LMBRD2):c.1929G>T (p.Arg643Ser)

Gene: LMBRD2 (LMBR1 domain containing 2; minus strand). Cytogenetic location: 5p13.2.
Variant type: single nucleotide variant.
Coding change: c.1929G>T on transcript NM_001007527.2 (MANE Select); coding-DNA position 1929, G replaced by T.
Protein change: p.Arg643Ser; replaces arginine 643 with serine.
Molecular consequence: missense variant.
Genome position (GRCh38, 1-based): chr5:36,105,166, C>A on the plus strand (G>T on the coding strand, the complement: LMBRD2 is on the minus strand). VCF-style: chr5-36105166-C-A. GRCh37 (hg19) VCF-style: chr5-36105268-C-A.
Other names: short protein forms R643S.
Identifiers: ClinVar variation 4822814 (VCV004822814.4).
Genomic context (GRCh38, chr5:36,105,166, plus strand): 5'-TTCTGCATTAAAATCCAAAGGTTCTGCATCTTGGAGAAGTTCTATCCGGTCCCTTTCAGT[C>A]CTGTTATTAGCCCTGGTATATTTGAATGCAGCTGCAAAGGAAGGGGGAAAAATGTCTACT-3'
Protein context (NP_001007528.1, residues 633-653): SAFKYTRANN[Arg643Ser]TERDRIELLQ

ClinVar aggregate classification (germline): Likely benign (1 of 4 stars; one submission).

Submission:

CeGaT Center for Human Genetics Tuebingen
Classification: Likely benign. Last evaluated: 2025-12-01. Review status: criteria provided, single submitter. Criteria: CeGaT Center For Human Genetics Tuebingen Variant Classification Criteria Version 2. Collection method: clinical testing. Allele origin: germline. Affected: yes. Observed: 1 variant allele.
Comment: LMBRD2: BP4